The following is an entry in ClinVar:

NM_000049.4(ASPA):c.211C>A (p.Arg71Ser)

Genes: ASPA (aspartoacylase; plus strand), SPATA22 (spermatogenesis associated 22; minus strand). Cytogenetic location: 17p13.2.
Variant type: single nucleotide variant.
Coding change: c.211C>A on transcript NM_000049.4 (MANE Select); coding-DNA position 211, C replaced by A.
Protein change: p.Arg71Ser; replaces arginine 71 with serine.
Molecular consequence: missense variant. On other transcripts: intron variant (2).
Genome position (GRCh38, 1-based): chr17:3,476,370, C>A. VCF-style: chr17-3476370-C-A. GRCh37 (hg19) VCF-style: chr17-3379664-C-A.
Other names: c.211C>A, p.Arg71Ser (NM_001128085.1); c.-73-6972G>T (NM_001321336.2, NM_001321337.2); short protein forms R71S.
Identifiers: ClinVar variation 1786218 (VCV001786218.2), dbSNP rs1192320601, ClinGen allele CA397681537.
Genomic context (GRCh38, chr17:3,476,370, plus strand): 5'-TTTATTACTAACCCCAGAGCAGTGAAGAAGTGTACCAGATATATTGACTGTGACCTGAAT[C>A]GCATTTTTGACCTTGAAAATCTTGGGTAAGACTATGCTTTGTATTGTATATGTATGTATG-3'
Protein context (NP_000040.1, residues 61-81): CTRYIDCDLN[Arg71Ser]IFDLENLGKK

ClinVar aggregate classification (germline): Pathogenic (1 of 4 stars; one submission).

Conditions:
Inborn genetic diseases. Identifiers: MedGen C0950123, MeSH D030342.

gnomAD v4.1: 1 of 1,614,034 alleles (0.000062%); highest among the groups gnomAD compares: Non-Finnish European, 0.000085%; no homozygotes.

Submission:

Ambry Genetics
Classification: Pathogenic for Inborn genetic diseases. Last evaluated: 2017-07-01. Review status: criteria provided, single submitter. Criteria: Ambry Variant Classification Scheme 2023. Collection method: clinical testing. Allele origin: germline.
Comment: The p.R71S pathogenic mutation (also known as c.211C>A), located in coding exon 1 of the ASPA gene, results from a C to A substitution at nucleotide position 211. The arginine at codon 71 is replaced by serine, an amino acid with dissimilar properties. This variant has been detected in trans with a pathogenic mutation in ASPA by our laboratory. A different mutation at the same position (p.R71H) has been reported in three individuals with mild form of Canavan disease (Janson CG et al. Ann. Neurol., 2006 Feb;59:428-31; Velinov M et al. Clin. Genet., 2008 Mar;73:288-9). In addition, the arginine residue is likely stabilizes substrate binding and may guide NAA to the active site. This amino acid position is highly conserved in available vertebrate species (Bitto E et al. Proc. Natl. Acad. Sci. U.S.A., 2007 Jan;104:456-61). This amino acid position is highly conserved in available vertebrate species. In addition, this alteration is predicted to be deleterious by in silico analysis. Based on the supporting evidence, this alteration is interpreted as a disease-causing mutation.

Literature cited by the submitters: PubMed 17194761.